The following is an entry in ClinVar:

NM_024529.5(CDC73):c.1367_1417+426dup

Gene: CDC73 (cell division cycle 73; plus strand). Cytogenetic location: 1q31.2.
Variant type: Duplication.
Coding change: c.1367_1417+426dup on transcript NM_024529.5 (MANE Select); coding-DNA position 1367 through 426 bases into the intron after coding-DNA position 1417, 477 bases duplicated.
Molecular consequence: splice donor variant.
Genome position (GRCh38, 1-based): chr1:193,236,306-193,236,782, 477 bases duplicated. GRCh37 (hg19): chr1:193,205,436-193,205,912.
Identifiers: ClinVar variation 1770947 (VCV001770947.2), dbSNP rs2527500772, ClinGen allele CA2580061787.

ClinVar aggregate classification (germline): Uncertain significance. Review status: criteria provided, multiple submitters, no conflicts (2 of 4 stars). 2 submissions from 2 submitters: Uncertain significance (2). Last evaluated 2025-10-20.

Conditions:
Hereditary cancer-predisposing syndrome. Also called: Hereditary Cancer Syndrome; Hereditary neoplastic syndrome; Neoplastic Syndromes, Hereditary; Tumor predisposition. Identifiers: Orphanet 140162, MedGen C0027672, MeSH D009386, MONDO:0015356.
Parathyroid carcinoma (PRTC). Also called: CDC73-Related Parathyroid Carcinoma; Parathyroid gland carcinoma. Identifiers: Orphanet 143, MedGen C0687150, MONDO:0012004, OMIM 608266, HP:0006780.

Submissions (2):

Labcorp Genetics (formerly Invitae), Labcorp
Classification: Uncertain significance for Parathyroid carcinoma. Last evaluated: 2025-10-20. Review status: criteria provided, single submitter. Criteria: Invitae Variant Classification Sherloc (09022015). Collection method: clinical testing. Allele origin: germline.
Comment: This sequence change falls in intron 15 of the CDC73 gene. It does not directly change the encoded amino acid sequence of the CDC73 protein. This variant is not present in population databases (gnomAD no frequency). This variant has not been reported in the literature in individuals affected with CDC73-related conditions. ClinVar contains an entry for this variant (Variation ID: 1770947). Experimental studies and prediction algorithms are not available or were not evaluated, and the effect of this variant on mRNA splicing is currently unknown. In summary, the available evidence is currently insufficient to determine the role of this variant in disease. Therefore, it has been classified as a Variant of Uncertain Significance.

Ambry Genetics
Classification: Uncertain significance for Hereditary cancer-predisposing syndrome. Last evaluated: 2022-04-18. Review status: criteria provided, single submitter. Criteria: Ambry General Variant Classification Scheme_2022. Collection method: clinical testing. Allele origin: germline. Observed: 1 variant allele.
Comment: The c.1367_1417+426dup gross duplication includes at least a portion of coding exon 15 through intron 15 in the CDC73 gene. Gross duplications are expected to occur in tandem, resulting in an abnormal protein (Richardson ME et al. Genet. Med. 2019 03;21(3):683-693). However, it is unknown whether this particular duplication involving only a splice donor site impacts splicing and/or protein sequence. In silico splice site analysis for this alteration is inconclusive; however, direct evidence is insufficient at this time (Ambry internal data). Since supporting evidence is limited at this time, the clinical significance of this alteration remains unclear.